The following is an entry in ClinVar:

NM_170601.5(SIAE):c.343G>A (p.Val115Ile)

Gene: SIAE (sialic acid acetylesterase; minus strand). Cytogenetic location: 11q24.2.
Variant type: single nucleotide variant.
Coding change: c.343G>A on transcript NM_170601.5 (MANE Select); coding-DNA position 343, G replaced by A.
Protein change: p.Val115Ile; replaces valine 115 with isoleucine.
Molecular consequence: missense variant.
Genome position (GRCh38, 1-based): chr11:124,660,690, C>T on the plus strand (G>A on the coding strand, the complement: SIAE is on the minus strand). VCF-style: chr11-124660690-C-T. GRCh37 (hg19) VCF-style: chr11-124530586-C-T.
Other names: c.238G>A, p.Val80Ile (NM_001199922.2); short protein forms V115I, V80I.
Identifiers: ClinVar variation 2973988 (VCV002973988.3), dbSNP rs895622003, ClinGen allele CA230364980.

ClinVar aggregate classification (germline): Uncertain significance (1 of 4 stars; one submission).

Allele frequency attached by ClinVar (database versions not stated): TOPMed below 0.00001; gnomAD 0.00001; gnomAD exomes below 0.00001.
gnomAD v4.1: 9 of 1,614,062 alleles (0.00056%); highest among the groups gnomAD compares: Admixed American, 0.0017%; no homozygotes.

Submission:

Labcorp Genetics (formerly Invitae), Labcorp
Classification: Uncertain significance. Last evaluated: 2025-12-20. Review status: criteria provided, single submitter. Criteria: Invitae Variant Classification Sherloc (09022015). Collection method: clinical testing. Allele origin: germline.
Comment: This sequence change replaces valine, which is neutral and non-polar, with isoleucine, which is neutral and non-polar, at codon 115 of the SIAE protein (p.Val115Ile). This variant is present in population databases (no rsID available, gnomAD 0.0008%). This variant has not been reported in the literature in individuals affected with SIAE-related conditions. ClinVar contains an entry for this variant (Variation ID: 2973988). An algorithm developed to predict the effect of missense changes on protein structure and function outputs the following: PolyPhen-2: "Benign". The isoleucine amino acid residue is found in multiple mammalian species, which suggests that this missense change does not adversely affect protein function. In summary, the available evidence is currently insufficient to determine the role of this variant in disease. Therefore, it has been classified as a Variant of Uncertain Significance.